The following is an entry in ClinVar:

ClinVar aggregate classification (germline): Uncertain significance (1 of 4 stars; one submission).

Allele frequency attached by ClinVar (database versions not stated): gnomAD 0.00001; TOPMed 0.00001.
gnomAD v4.1: 1 of 1,613,430 alleles (0.000062%); highest among the groups gnomAD compares: Admixed American, 0.0017%; no homozygotes.

Submission:

Labcorp Genetics (formerly Invitae), Labcorp
Classification: Uncertain significance. Last evaluated: 2023-10-13. Review status: criteria provided, single submitter. Criteria: Invitae Variant Classification Sherloc (09022015). Collection method: clinical testing. Allele origin: germline.
Comment: This sequence change falls in intron 11 of the DSCAML1 gene. It does not directly change the encoded amino acid sequence of the DSCAML1 protein. This variant is not present in population databases (gnomAD no frequency). This variant has not been reported in the literature in individuals affected with DSCAML1-related conditions. Algorithms developed to predict the effect of sequence changes on RNA splicing suggest that this variant may create or strengthen a splice site. In summary, the available evidence is currently insufficient to determine the role of this variant in disease. Therefore, it has been classified as a Variant of Uncertain Significance.

NM_020693.4(DSCAML1):c.2360-18T>A

Gene: DSCAML1 (DS cell adhesion molecule like 1; minus strand). Cytogenetic location: 11q23.3.
Variant type: single nucleotide variant.
Coding change: c.2360-18T>A on transcript NM_020693.4 (MANE Select); 18 bases into the intron before coding-DNA position 2360, T replaced by A.
Molecular consequence: intron variant.
Genome position (GRCh38, 1-based): chr11:117,482,180, A>T on the plus strand (T>A on the coding strand, the complement: DSCAML1 is on the minus strand). VCF-style: chr11-117482180-A-T. GRCh37 (hg19) VCF-style: chr11-117352895-A-T.
Other names: c.2360-18T>A (NM_001367904.1).
Identifiers: ClinVar variation 2975314 (VCV002975314.3), dbSNP rs1315671283, ClinGen allele CA672253556.
Genomic context (GRCh38, chr11:117,482,180, plus strand): 5'-ATGGCGATGGTGGTGTTGGGGTGGGAAGTGATCATGGCCGGGACTGGGGGGCGGAGGCAG[A>T]GAAGGCCCAGTGAAGGTCGGGAGACCAGCCTGGAGGAGGCACGCGTGCCCTGCGCAGAAG-3'